The following is an entry in ClinVar:

NM_004958.4(MTOR):c.1509G>C (p.Glu503Asp)

Gene: MTOR (mechanistic target of rapamycin kinase; minus strand). Cytogenetic location: 1p36.22.
Variant type: single nucleotide variant.
Coding change: c.1509G>C on transcript NM_004958.4 (MANE Select); coding-DNA position 1509, G replaced by C.
Protein change: p.Glu503Asp; replaces glutamic acid 503 with aspartic acid.
Molecular consequence: missense variant.
Genome position (GRCh38, 1-based): chr1:11,241,585, C>G on the plus strand (G>C on the coding strand, the complement: MTOR is on the minus strand). VCF-style: chr1-11241585-C-G. GRCh37 (hg19) VCF-style: chr1-11301642-C-G.
Other names: c.1509G>C, p.Glu503Asp (NM_001386500.1); c.261G>C, p.Glu87Asp (NM_001386501.1); short protein forms E503D, E87D.
Identifiers: ClinVar variation 1505200 (VCV001505200.8), dbSNP rs758232859, ClinGen allele CA590705.
Genomic context (GRCh38, chr1:11,241,585, plus strand): 5'-AGGGCAAGCTCAGGTTTCTGACACCCACCTTAGTCCCACTGCCAGCATGGGCTCCAGCAG[C>G]TCCTTGATATCCTGCTGGATGCCTGGCCCCATTGCTCGAGCCAGCATGCTGATGCAAGTG-3'
Protein context (NP_004949.1, residues 493-513): MGPGIQQDIK[Glu503Asp]LLEPMLAVGL

ClinVar aggregate classification (germline): Uncertain significance. Review status: criteria provided, multiple submitters, no conflicts (2 of 4 stars). 2 submissions from 2 submitters: Uncertain significance (2). Last evaluated 2023-10-31.

Conditions:
Overgrowth syndrome and/or cerebral malformations due to abnormalities in MTOR pathway genes. Identifiers: MedGen CN300503, MONDO:0100283.

Allele frequency attached by ClinVar (database versions not stated): TOPMed below 0.00001; gnomAD 0.00001; gnomAD exomes 0.00001 and 0.00002; ExAC 0.00002.
gnomAD v4.1: 12 of 1,613,776 alleles (0.00074%); highest among the groups gnomAD compares: South Asian, 0.012%; no homozygotes.

Submissions (2):

Clinical Genomics Laboratory, Washington University in St. Louis
Classification: Uncertain significance for Overgrowth syndrome and/or cerebral malformations due to abnormalities in MTOR pathway genes. Last evaluated: 2023-10-31. Review status: criteria provided, single submitter. Criteria: ACMG Guidelines, 2015. Collection method: clinical testing. Allele origin: germline.
Comment: The MTOR c.1509G>C (p.Glu503Asp) variant was identified at near heterozygous allelic fraction of 50%, a frequency which may be consistent with it being of germline origin. To our knowledge, this variant has not been reported in the medical literature and is only observed on 1/152,204 alleles in the general population (gnomAD v3.1.2), indicating that it is not a common variant. The variant has been reported in the ClinVar database as a variant of uncertain clinical significance by one laboratory (ClinVar Variation ID: 1505200). Computational predictors are uncertain as to the impact of this variant on MTOR function. The MTOR gene is a gene that has a low rate of benign missense variation and where pathogenic missense variants are a known mechanism of disease. Due to limited information, and based on the ACMG/AMP guidelines for variant interpretation (Richards S et al., PMID: 25741868), and the ClinGen Brain Malformation guidelines (Lai A et al., PMID:35997716), the clinical significance of the MTOR c.1509G>C (p.Glu503Asp) variant is uncertain at this time.

Labcorp Genetics (formerly Invitae), Labcorp
Classification: Uncertain significance. Last evaluated: 2021-01-19. Review status: criteria provided, single submitter. Criteria: Invitae Variant Classification Sherloc (09022015). Collection method: clinical testing. Allele origin: germline.
Comment: This sequence change replaces glutamic acid with aspartic acid at codon 503 of the MTOR protein (p.Glu503Asp). The glutamic acid residue is highly conserved and there is a small physicochemical difference between glutamic acid and aspartic acid. This variant is present in population databases (rs758232859, ExAC 0.01%). This variant has not been reported in the literature in individuals with MTOR-related conditions. Advanced modeling of protein sequence and biophysical properties (such as structural, functional, and spatial information, amino acid conservation, physicochemical variation, residue mobility, and thermodynamic stability) performed at Invitae indicates that this missense variant is not expected to disrupt MTOR protein function. In summary, the available evidence is currently insufficient to determine the role of this variant in disease. Therefore, it has been classified as a Variant of Uncertain Significance.